The following is an entry in ClinVar:

ClinVar aggregate classification (germline): Uncertain significance (1 of 4 stars; one submission).

Conditions:
Blepharophimosis - intellectual disability syndrome, SBBYS type (SBBYSS). Also called: Say-Barber-Biesecker variant of Ohdo syndrome (SBBYSS); Young Simpson syndrome; Mental retardation unusual facies hypothyroidism; Ohdo syndrome, SBBYS variant; SBBYSS syndrome; Say-Barber-Biesecker-Young-Simpson syndrome. Identifiers: Orphanet 3047, MedGen C1863557, MONDO:0011365, OMIM 603736.

Submission:

3billion
Classification: Uncertain significance for Blepharophimosis - intellectual disability syndrome, SBBYS type. Last evaluated: 2025-07-30. Review status: criteria provided, single submitter. Criteria: ACMG Guidelines, 2015. Collection method: clinical testing. Allele origin: germline. Affected: yes.
Comment: The variant is not observed in the gnomAD v4.1.0 dataset. Predicted Consequence/Location: Frameshift: predicted to result in a loss or disruption of normal protein function through protein truncation. The predicted truncated protein may be shortened by less than 10%. Therefore, this variant is classified as VUS according to the recommendation of ACMG/AMP guideline.

NM_012330.4(KAT6B):c.5862_5867delinsCTGCATTTGGGAAAATA (p.Pro1955fs)

Gene: KAT6B (lysine acetyltransferase 6B; plus strand). Cytogenetic location: 10q22.2.
Variant type: Indel.
Coding change: c.5862_5867delinsCTGCATTTGGGAAAATA on transcript NM_012330.4 (MANE Select); coding-DNA positions 5862 to 5867, TCCTGC replaced by CTGCATTTGGGAAAATA.
Protein change: p.Pro1955fs; shifts the reading frame from proline 1955.
Molecular consequence: frameshift variant.
Genome position (GRCh38, 1-based): chr10:75,030,686-75,030,691, TCCTGC replaced by CTGCATTTGGGAAAATA. VCF-style: chr10-75030686-TCCTGC-CTGCATTTGGGAAAATA. GRCh37 (hg19) VCF-style: chr10-76790444-TCCTGC-CTGCATTTGGGAAAATA.
Other names: c.4986_4991delinsCTGCATTTGGGAAAATA, p.Pro1663fs (NM_001256469.2, NM_001370139.1, NM_001370140.1 and 2 more transcripts); c.4824_4829delinsCTGCATTTGGGAAAATA, p.Pro1609fs (NM_001370132.1); c.4173_4178delinsCTGCATTTGGGAAAATA, p.Pro1392fs (NM_001370133.1); c.3777_3782delinsCTGCATTTGGGAAAATA, p.Pro1260fs (NM_001370134.1); c.3519_3524delinsCTGCATTTGGGAAAATA, p.Pro1174fs (NM_001370135.1); c.5862_5867delinsCTGCATTTGGGAAAATA, p.Pro1955fs (NM_001370136.1, NM_001370137.1); c.5313_5318delinsCTGCATTTGGGAAAATA, p.Pro1772fs (NM_001370138.1, NM_001256468.2); c.4797_4802delinsCTGCATTTGGGAAAATA, p.Pro1600fs (NM_001370143.1, NM_001370144.1); short protein forms P1174fs, P1260fs, P1392fs, P1600fs, P1609fs, P1663fs, P1772fs, P1955fs.
Identifiers: ClinVar variation 4855796 (VCV004855796.1).